The following is an entry in ClinVar:

NM_000179.3(MSH6):c.1999G>C (p.Asp667His)

Gene: MSH6 (mutS homolog 6; plus strand). Cytogenetic location: 2p16.3.
Variant type: single nucleotide variant.
Coding change: c.1999G>C on transcript NM_000179.3 (MANE Select); coding-DNA position 1999, G replaced by C.
Protein change: p.Asp667His; replaces aspartic acid 667 with histidine.
Molecular consequence: missense variant.
Genome position (GRCh38, 1-based): chr2:47,799,982, G>C. VCF-style: chr2-47799982-G-C. GRCh37 (hg19) VCF-style: chr2-48027121-G-C.
Other names: p.D667H:GAT>CAT; c.1609G>C, p.Asp537His (NM_001281492.2); c.1093G>C, p.Asp365His (NM_001281493.2, NM_001281494.2); short protein forms D667H, D537H, D365H.
Identifiers: ClinVar variation 182630 (VCV000182630.29), dbSNP rs151086192, ClinGen allele CA009534.
Genomic context (GRCh38, chr2:47,799,982, plus strand): 5'-CTAAGTGATGGCATTGGGGTGATGTTACCCCAGGTGCTTAAAGGTATGACTTCAGAGTCT[G>C]ATTCCATTGGGTTGACACCAGGAGAGAAAAGTGAATTGGCCCTCTCTGCTCTAGGTGGTT-3'
Protein context (NP_000170.1, residues 657-677): QVLKGMTSES[Asp667His]SIGLTPGEKS

ClinVar aggregate classification (germline): Conflicting classifications of pathogenicity. Review status: criteria provided, conflicting classifications (1 of 4 stars). 9 submissions from 9 submitters: Uncertain significance (6); Likely benign (2). 1 of the submissions does not count toward it. Last evaluated 2025-08-13.

Conditions:
Hereditary nonpolyposis colorectal neoplasms. Identifiers: MedGen C0009405, MeSH D003123.
Hereditary cancer-predisposing syndrome. Also called: Tumor predisposition; Neoplastic Syndromes, Hereditary; Hereditary neoplastic syndrome; Hereditary Cancer Syndrome. Identifiers: Orphanet 140162, MedGen C0027672, MeSH D009386, MONDO:0015356.
Lynch syndrome. Identifiers: Orphanet 144, MedGen C4552100, MONDO:0005835. Disease mechanism: loss of function.
Lynch syndrome 5 (LYNCH5). Also called: Colorectal cancer, hereditary nonpolyposis, type 5; Hereditary non-polyposis colorectal cancer, type 5. Identifiers: Orphanet 144, MedGen C1833477, MONDO:0013710, OMIM 614350. Disease mechanism: loss of function.

Allele frequency attached by ClinVar (database versions not stated): gnomAD exomes below 0.00001 and 0.00001; ESP Exome Variant Server 0.00008.
gnomAD v4.1: 6 of 1,614,124 alleles (0.00037%); highest among the groups gnomAD compares: Non-Finnish European, 0.00051%; no homozygotes.

Submissions (9):

Labcorp Genetics (formerly Invitae), Labcorp
Classification: Likely benign for Hereditary nonpolyposis colorectal neoplasms. Last evaluated: 2025-08-13. Review status: criteria provided, single submitter. Criteria: Invitae Variant Classification Sherloc (09022015). Collection method: clinical testing. Allele origin: germline.

Ambry Genetics
Classification: Uncertain significance for Hereditary cancer-predisposing syndrome. Last evaluated: 2025-05-25. Review status: criteria provided, single submitter. Criteria: Ambry Variant Classification Scheme 2023. Collection method: clinical testing. Allele origin: germline.
Comment: The p.D667H variant (also known as c.1999G>C), located in coding exon 4 of the MSH6 gene, results from a G to C substitution at nucleotide position 1999. The aspartic acid at codon 667 is replaced by histidine, an amino acid with similar properties. In one study, this variant was detected in 0/165 colorectal cancer and/or polyposis patients and was identified in 1/2512 control individuals from a healthy population database (Rosenthal EA et al. Hum Genet, 2018 Oct;137:795-806). This amino acid position is highly conserved in available vertebrate species. In addition, this alteration is predicted to be deleterious by in silico analysis. Since supporting evidence is limited at this time, the clinical significance of this alteration remains unclear.

Helix
Classification: Uncertain significance for Lynch syndrome 5. Last evaluated: 2025-05-13. Review status: criteria provided, single submitter. Criteria: ACMG Guidelines, 2015. Collection method: clinical testing. Allele origin: germline. Inheritance: Autosomal dominant inheritance.
Comment: This variant (NM_000179.3:c.1999G>C p.Asp667His) results in the substitution of aspartic acid with histidine at codon 667 in the MSH6 protein. It is present in the gnomAD population database (v4.1) at the highest allele frequency in the European (non-Finnish) subpopulation among non-founder subpopulations (6/1180014 alleles, 0.00051%). To our knowledge, this variant has not been reported in individuals with MSH6-related cancers. In silico prediction from REVEL (PMID: 27666373) suggests that this variant may be deleterious. This variant is present in ClinVar (Accession: VCV000182630.25). In conclusion, since the available evidence is limited, the clinical significance of this variant is unclear at this time. Therefore, it is classified as a Variant of Uncertain Significance.

Quest Diagnostics Nichols Institute San Juan Capistrano
Classification: Uncertain significance. Last evaluated: 2025-01-09. Review status: criteria provided, single submitter. Criteria: Quest Diagnostics criteria. Collection method: clinical testing. Allele origin: unknown.
Comment: The MSH6 c.1999G>C (p.Asp667His) variant has been identified in the published literature in a reportedly healthy individual (PMID: 30267214 (2018)). The frequency of this variant in the general population (Genome Aggregation Database) is uninformative in the assessment of its pathogenicity. Analysis of this variant using bioinformatics tools for the prediction of the effect of amino acid changes on protein structure and function yielded predictions that this variant is damaging. Based on the available information, we are unable to determine the clinical significance of this variant.

All of Us Research Program, National Institutes of Health
Classification: Uncertain significance for Lynch syndrome. Last evaluated: 2023-09-04. Review status: criteria provided, single submitter. Criteria: ACMG Guidelines, 2015. Collection method: clinical testing. Allele origin: germline. Inheritance: Autosomal dominant inheritance. Observed: 1 variant allele, 1 heterozygote.
Comment: This missense variant replaces aspartic acid with histidine at codon 667 of the MSH6 protein. Computational prediction suggests that this variant may have deleterious impact on protein structure and function (internally defined REVEL score threshold >= 0.7, PMID: 27666373). To our knowledge, functional studies have not been reported for this variant. This variant has not been reported in individuals affected with MSH6-related disorders in the literature. This variant has been identified in 2/251046 chromosomes in the general population by the Genome Aggregation Database (gnomAD). The available evidence is insufficient to determine the role of this variant in disease conclusively. Therefore, this variant is classified as a Variant of Uncertain Significance.

This study involves interpretation of variants in research participants for the purpose of population health screening. Participant phenotype was not available at the time of variant classification. Additional details can be found in publication PMID: 35346344, PMCID: PMC8962531

Color Diagnostics, LLC DBA Color Health
Classification: Uncertain significance for Hereditary cancer-predisposing syndrome. Last evaluated: 2023-08-23. Review status: criteria provided, single submitter. Criteria: ACMG Guidelines, 2015. Collection method: clinical testing. Allele origin: germline.
Comment: This missense variant replaces aspartic acid with histidine at codon 667 of the MSH6 protein. Computational prediction suggests that this variant may have deleterious impact on protein structure and function (internally defined REVEL score threshold >= 0.7, PMID: 27666373). To our knowledge, functional studies have not been reported for this variant. This variant has not been reported in individuals affected with MSH6-related disorders in the literature. This variant has been identified in 2/251046 chromosomes in the general population by the Genome Aggregation Database (gnomAD). The available evidence is insufficient to determine the role of this variant in disease conclusively. Therefore, this variant is classified as a Variant of Uncertain Significance.

Myriad Genetics, Inc.
Classification: Likely benign for Lynch syndrome 5. Last evaluated: 2023-03-29. Review status: criteria provided, single submitter. Criteria: Myriad Autosomal Dominant, Autosomal Recessive and X-Linked Classification Criteria (2023). Collection method: clinical testing. Allele origin: unknown.
Comment: This variant is considered likely benign. Homozygosity for this variant has been confirmed in one or more individuals lacking clinical features consistent with gene-specific recessive disease, indicating that this variant is unlikely to be pathogenic.

GeneDx
Classification: Uncertain significance. Last evaluated: 2020-10-12. Review status: criteria provided, single submitter. Criteria: GeneDx Variant Classification Process June 2021. Collection method: clinical testing. Allele origin: germline. Affected: yes.
Comment: Not observed at a significant frequency in large population cohorts (Lek 2016); In silico analysis supports that this missense variant has a deleterious effect on protein structure/function; Has not been previously published as pathogenic or benign to our knowledge; This variant is associated with the following publications: (PMID: 23621914, 26691941)

Counsyl
Classification: Uncertain significance for Lynch syndrome 5. Last evaluated: 2017-11-01. Review status: no assertion criteria provided. Collection method: clinical testing. Allele origin: unknown. Not counted in ClinVar's aggregate classification.

Literature cited by the submitters: PubMed 30267214 (cited by Ambry Genetics and Quest Diagnostics Nichols Institute San Juan Capistrano); PubMed 23621914 (cited by Quest Diagnostics Nichols Institute San Juan Capistrano and Counsyl); PubMed 26691941 (cited by Counsyl).